The following is an entry in ClinVar:

NM_144991.3(TSPEAR):c.662C>T (p.Pro221Leu)

Gene: TSPEAR (thrombospondin type laminin G domain and EAR repeats; minus strand). Cytogenetic location: 21q22.3.
Variant type: single nucleotide variant.
Coding change: c.662C>T on transcript NM_144991.3 (MANE Select); coding-DNA position 662, C replaced by T.
Protein change: p.Pro221Leu; replaces proline 221 with leucine.
Molecular consequence: missense variant.
Genome position (GRCh38, 1-based): chr21:44,529,926, G>A on the plus strand (C>T on the coding strand, the complement: TSPEAR is on the minus strand). VCF-style: chr21-44529926-G-A. GRCh37 (hg19) VCF-style: chr21-45949809-G-A.
Other names: c.458C>T, p.Pro153Leu (NM_001272037.2); short protein forms P153L, P221L.
Identifiers: ClinVar variation 1693078 (VCV001693078.2), dbSNP rs200953949, ClinGen allele CA10056895.

ClinVar aggregate classification (germline): Uncertain significance (1 of 4 stars; one submission).

Allele frequency attached by ClinVar (database versions not stated): gnomAD 0.00002 and 0.00003; gnomAD exomes 0.00003 and 0.00005; TOPMed 0.00006; ExAC 0.00007; 1000 Genomes Project 30x 0.00016; 1000 Genomes Project 0.00020.
gnomAD v4.1: 51 of 1,607,966 alleles (0.0032%); highest among the groups gnomAD compares: East Asian, 0.074%; no homozygotes.

Submission:

GeneDx
Classification: Uncertain significance. Last evaluated: 2021-12-23. Review status: criteria provided, single submitter. Criteria: GeneDx Variant Classification Process June 2021. Collection method: clinical testing. Allele origin: germline. Affected: yes.
Comment: In silico analysis supports that this missense variant has a deleterious effect on protein structure/function; Has not been previously published as pathogenic or benign to our knowledge